The following is an entry in ClinVar:

NM_004517.4(ILK):c.1256C>T (p.Pro419Leu)

Genes: ILK (integrin linked kinase; plus strand), TAF10 (TATA-box binding protein associated factor 10; minus strand). Cytogenetic location: 11p15.4.
Variant type: single nucleotide variant.
Coding change: c.1256C>T on transcript NM_004517.4 (MANE Select); coding-DNA position 1256, C replaced by T.
Protein change: p.Pro419Leu; replaces proline 419 with leucine.
Molecular consequence: missense variant. On other transcripts: 3 prime UTR variant (1).
Genome position (GRCh38, 1-based): chr11:6,610,508, C>T. VCF-style: chr11-6610508-C-T. GRCh37 (hg19) VCF-style: chr11-6631739-C-T.
Other names: c.1256C>T, p.Pro419Leu (NM_001014794.3, NM_001014795.3); c.1073C>T, p.Pro358Leu (NM_001278441.2); c.854C>T, p.Pro285Leu (NM_001278442.2); c.*414G>A (NM_006284.4); short protein forms P285L, P358L, P419L.
Identifiers: ClinVar variation 939806 (VCV000939806.11), dbSNP rs1855401354, ClinGen allele CA379468032.

ClinVar aggregate classification (germline): Uncertain significance. Review status: criteria provided, multiple submitters, no conflicts (2 of 4 stars). 2 submissions from 2 submitters: Uncertain significance (2). Last evaluated 2021-12-14.

Conditions:
Primary familial hypertrophic cardiomyopathy (HCM). Identifiers: Orphanet 99739, MedGen C0949658, MeSH D024741, MONDO:0024573. Inheritance: Various modes of inheritance.

Submissions (2):

AiLife Diagnostics
Classification: Uncertain significance. Last evaluated: 2021-12-14. Review status: criteria provided, single submitter. Criteria: ACMG Guidelines, 2015. Collection method: clinical testing. Allele origin: germline. Affected: yes. Observed: 1 variant allele.

Labcorp Genetics (formerly Invitae), Labcorp
Classification: Uncertain significance for Primary familial hypertrophic cardiomyopathy. Last evaluated: 2019-08-29. Review status: criteria provided, single submitter. Criteria: Invitae Variant Classification Sherloc (09022015). Collection method: clinical testing. Allele origin: germline.
Comment: This sequence change replaces proline with leucine at codon 419 of the ILK protein (p.Pro419Leu). The proline residue is highly conserved and there is a moderate physicochemical difference between proline and leucine. In summary, the available evidence is currently insufficient to determine the role of this variant in disease. Therefore, it has been classified as a Variant of Uncertain Significance. Algorithms developed to predict the effect of missense changes on protein structure and function are either unavailable or do not agree on the potential impact of this missense change (SIFT: "Deleterious"; PolyPhen-2: "Possibly Damaging"; Align-GVGD: "Class C0"). This variant has not been reported in the literature in individuals with ILK-related conditions. This variant is not present in population databases (ExAC no frequency).